The following is an entry in ClinVar:

ClinVar aggregate classification (germline): Pathogenic. Review status: criteria provided, multiple submitters, no conflicts (2 of 4 stars). 7 submissions from 7 submitters: Pathogenic (5). 2 of the submissions do not count toward it. Last evaluated 2025-12-30.

Conditions:
Encephalopathy, lethal, due to defective mitochondrial peroxisomal fission 1. Identifiers: Orphanet 330050, MedGen C3280660, MONDO:0013726, OMIM 614388.
DNM1L-related disorder. Also called: DNM1L-related condition.

Submissions (7):

Victorian Clinical Genetics Services, Murdoch Childrens Research Institute
Classification: Pathogenic for Encephalopathy, lethal, due to defective mitochondrial peroxisomal fission 1. Last evaluated: 2025-12-30. Review status: criteria provided, single submitter. Criteria: ACMG Guidelines, 2015. Collection method: clinical testing. Allele origin: germline. Affected: yes.
Comment: This variant is classified as Pathogenic. Evidence in support of pathogenic classification: Variant is absent from gnomAD (v2, v3 and v4); This variant has strong previous evidence of pathogenicity in unrelated individuals. This variant has been classified as pathogenic by multiple clinical laboratories in ClinVar, and has been shown to be de novo in multiple individuals (DECIPHER, ClinVar); Missense variant in a region that is highly intolerant to missense variation (high constraint region in DECIPHER); Missense variant predicted to be damaging by in silico tool(s) or highly conserved with a major amino acid change; Additional information: Variant is predicted to result in a missense amino acid change from Gly to Ser; This variant is heterozygous; This gene is associated with both recessive and dominant disease. While this gene is predominantly associated with dominant disease, rare instances of recessive inheritance have been described in the literature and associated with variants located in the GTPase domain (PMID: 29529134); Dominant negative and loss of function are known mechanisms of disease in this gene and are associated with encephalopathy due to defective mitochondrial peroxisomal fission 1 (MIM#614388), and optic atrophy 5 (MIM#610708). Loss-of-function is a described mechanism of disease for variants located within the GTPase domain (Dynamin N), while dominant negative is a described mechanism of disease for variants located within the Middle domain (Dynamin M) (PMIDs: 23977156, 29529134).

GeneDx
Classification: Pathogenic. Last evaluated: 2022-04-12. Review status: criteria provided, single submitter. Criteria: GeneDx Variant Classification Process June 2021. Collection method: clinical testing. Allele origin: germline. Affected: yes.
Comment: Published functional studies demonstrate a dominant negative effect as this variant significantly impaired oxidative growth and reduced respiratory activity (Verrigni et al., 2019); Not observed in large population cohorts (gnomAD); This variant is associated with the following publications: (PMID: 30801875, 31475481, 32005694, 31785789, 26992161)

Labcorp Genetics (formerly Invitae), Labcorp
Classification: Pathogenic. Last evaluated: 2021-03-24. Review status: criteria provided, single submitter. Criteria: Invitae Variant Classification Sherloc (09022015). Collection method: clinical testing. Allele origin: germline.
Comment: This sequence change replaces glycine with serine at codon 362 of the DNM1L protein (p.Gly362Ser). The glycine residue is highly conserved and there is a small physicochemical difference between glycine and serine. This variant is not present in population databases (ExAC no frequency). This variant has been observed in individual(s) with DNM1L-related conditions (PMID: 26992161, 30801875, 31475481). In at least one individual the variant was observed to be de novo. ClinVar contains an entry for this variant (Variation ID: 253262). Experimental studies have shown that this variant affects DNM1L protein function (PMID: 30801875). Algorithms developed to predict the effect of sequence changes on RNA splicing suggest that this variant may create or strengthen a splice site, but this prediction has not been confirmed by published transcriptional studies. For these reasons, this variant has been classified as Pathogenic.

Baylor Genetics
Classification: Pathogenic for Encephalopathy, lethal, due to defective mitochondrial peroxisomal fission 1. Last evaluated: 2018-08-27. Review status: criteria provided, single submitter. Criteria: ACMG Guidelines, 2015. Collection method: clinical testing. Allele origin: de novo. Affected: yes.
Comment: This variant was determined to be pathogenic according to ACMG Guidelines, 2015 [PMID:25741868]. This variant was previously reported to occur de novo in a patient with neonatal cyanosis and respiratory distress, postnatal microcephaly, developmental delay with scanty spontaneous movement, hypotonia, and pain insensitivity [PMID 26992161].

Suma Genomics
Classification: Pathogenic for Encephalopathy, lethal, due to defective mitochondrial peroxisomal fission 1. Review status: criteria provided, single submitter. Criteria: ACMG Guidelines, 2015. Collection method: clinical testing. Allele origin: de novo. Inheritance: Autosomal dominant inheritance. Affected: yes.

PreventionGenetics, part of Exact Sciences
Classification: Pathogenic for DNM1L-related condition. Last evaluated: 2023-12-01. Review status: no assertion criteria provided. Collection method: clinical testing. Allele origin: germline. Not counted in ClinVar's aggregate classification.
Comment: The DNM1L c.1084G>A variant is predicted to result in the amino acid substitution p.Gly362Ser. This variant was reported to have occurred de novo in multiple individuals with DNM1L-related phenotypes (Sheffer et al. 2016. PubMed ID: 26992161; Verrigni et al. 2019. PubMed ID: 30801875; Table S2, Turner et al. 2019. PubMed ID: 31785789; Table S2, Dong et al. 2020. PubMed ID: 32005694). Functional studies showed that this variant impacts protein function (described as p.Gly397Ser in Saccharomyces cerevisiae studies, Verrigni et al. 2019. PubMed ID: 30801875). This variant has not been reported in a large population database, indicating this variant is rare. A different nucleotide substitution affecting the same amino acid (p.Gly362Asp) has also been reported in individuals with DNM1L-related phenotypes (Verrigni et al. 2019. PubMed ID: 30801875; Table S1, Bruel et al. 2019. PubMed ID: 31231135). Taken together, the c.1084G>A (p.Gly362Ser) variant is interpreted as pathogenic.

OMIM
Classification: Pathogenic for ENCEPHALOPATHY DUE TO DEFECTIVE MITOCHONDRIAL AND PEROXISOMAL FISSION 1. Last evaluated: 2016-08-25. Review status: no assertion criteria provided. Collection method: literature only. Allele origin: germline. Not counted in ClinVar's aggregate classification.

Literature cited by the submitters: PubMed 29529134 (cited by Victorian Clinical Genetics Services, Murdoch Childrens Research Institute); PubMed 23977156 (cited by Victorian Clinical Genetics Services, Murdoch Childrens Research Institute); PubMed 26992161 (cited by 3 submitters); PubMed 30801875 (cited by Labcorp Genetics (formerly Invitae), Labcorp); PubMed 31475481 (cited by Labcorp Genetics (formerly Invitae), Labcorp).

NM_012062.5(DNM1L):c.1084G>A (p.Gly362Ser)

Gene: DNM1L (dynamin 1 like; plus strand). Cytogenetic location: 12p11.21.
Variant type: single nucleotide variant.
Coding change: c.1084G>A on transcript NM_012062.5 (MANE Select); coding-DNA position 1084, G replaced by A.
Protein change: p.Gly362Ser; replaces glycine 362 with serine.
Molecular consequence: missense variant.
Genome position (GRCh38, 1-based): chr12:32,731,018, G>A. VCF-style: chr12-32731018-G-A. GRCh37 (hg19) VCF-style: chr12-32883952-G-A.
Other names: c.1084G>A, p.Gly362Ser (NM_001278463.2, NM_005690.5, NM_012063.4); c.1123G>A, p.Gly375Ser (NM_001278464.2, NM_001278465.2, NM_001330380.2); c.475G>A, p.Gly159Ser (NM_001278466.2); c.1084G>A (NM_012062.4); short protein forms G362S, G375S, G159S.
Identifiers: ClinVar variation 253262 (VCV000253262.15), dbSNP rs886037861, ClinGen allele CA10586276.